The following is an entry in ClinVar:

ClinVar aggregate classification (germline): Conflicting classifications of pathogenicity. Review status: criteria provided, conflicting classifications (1 of 4 stars). 6 submissions from 6 submitters: Uncertain significance (1); Likely benign (4). 1 of the submissions does not count toward it. Last evaluated 2026-01-12.

Conditions:
Cardiovascular phenotype. Identifiers: MedGen CN230736.
Alagille syndrome due to a JAG1 point mutation. Also called: Alagille Syndrome 1; HEPATIC DUCTULAR HYPOPLASIA, SYNDROMATIC; JAG1-Related Alagille Syndrome. Identifiers: Orphanet 261619, Orphanet 52, MedGen C1956125, MONDO:0016862, OMIM 118450.
JAG1-related disorder. Also called: JAG1-related condition; JAG1-related disorders.

Allele frequency attached by ClinVar (database versions not stated): gnomAD exomes 0.00003 and 0.00004; ExAC 0.00005; gnomAD 0.00022 and 0.00024; TOPMed 0.00022.
gnomAD v4.1: 74 of 1,613,770 alleles (0.0046%); highest among the groups gnomAD compares: African/African-American, 0.067%; no homozygotes.

Submissions (6):

Labcorp Genetics (formerly Invitae), Labcorp
Classification: Likely benign for Alagille syndrome due to a JAG1 point mutation. Last evaluated: 2026-01-12. Review status: criteria provided, single submitter. Criteria: Invitae Variant Classification Sherloc (09022015). Collection method: clinical testing. Allele origin: germline.

Blueprint Genetics
Classification: Likely benign. Last evaluated: 2024-03-05. Review status: criteria provided, single submitter. Criteria: ACMG Guidelines, 2015. Collection method: clinical testing. Allele origin: germline.

Ambry Genetics
Classification: Likely benign for Cardiovascular phenotype. Last evaluated: 2019-09-26. Review status: criteria provided, single submitter. Criteria: Ambry Variant Classification Scheme 2023. Collection method: clinical testing. Allele origin: germline.

Eurofins Ntd Llc (ga)
Classification: Uncertain significance. Last evaluated: 2018-04-09. Review status: criteria provided, single submitter. Criteria: EGL ClinVar v180209 classification definitions. Collection method: clinical testing. Allele origin: germline. Observed: 1 variant allele, 1 heterozygote.

GeneDx
Classification: Likely benign. Last evaluated: 2016-10-14. Review status: criteria provided, single submitter. Criteria: GeneDx Variant Classification (06012015). Collection method: clinical testing. Allele origin: germline. Affected: yes.
Comment: This variant is considered likely benign or benign based on one or more of the following criteria: it is a conservative change, it occurs at a poorly conserved position in the protein, it is predicted to be benign by multiple in silico algorithms, and/or has population frequency not consistent with disease.

PreventionGenetics, part of Exact Sciences
Classification: Likely benign for JAG1-related condition. Last evaluated: 2022-07-22. Review status: no assertion criteria provided. Collection method: clinical testing. Allele origin: germline. Not counted in ClinVar's aggregate classification.
Comment: This variant is classified as likely benign based on ACMG/AMP sequence variant interpretation guidelines (Richards et al. 2015 PMID: 25741868, with internal and published modifications).

NM_000214.3(JAG1):c.399G>A (p.Thr133=)

Gene: JAG1 (jagged canonical Notch ligand 1; minus strand). Cytogenetic location: 20p12.2.
Variant type: single nucleotide variant.
Coding change: c.399G>A on transcript NM_000214.3 (MANE Select); coding-DNA position 399, G replaced by A.
Protein change: p.Thr133=; no amino-acid change (threonine 133 retained).
Molecular consequence: synonymous variant.
Genome position (GRCh38, 1-based): chr20:10,664,003, C>T on the plus strand (G>A on the coding strand, the complement: JAG1 is on the minus strand). VCF-style: chr20-10664003-C-T. GRCh37 (hg19) VCF-style: chr20-10644651-C-T.
Other names: c.399G>A, p.Thr133= (LRG_1191t1).
Identifiers: ClinVar variation 390251 (VCV000390251.19), dbSNP rs763154396, ClinGen allele CA9765145.